The following is an entry in ClinVar:

NM_001109809.5(ZFP57):c.1604A>G (p.His535Arg)

Gene: ZFP57 (ZFP57 zinc finger protein; minus strand). Cytogenetic location: 6p22.1.
Variant type: single nucleotide variant.
Coding change: c.1604A>G on transcript NM_001109809.5 (MANE Select); coding-DNA position 1604, A replaced by G.
Protein change: p.His535Arg; replaces histidine 535 with arginine.
Molecular consequence: missense variant.
Genome position (GRCh38, 1-based): chr6:29,672,507, T>C on the plus strand (A>G on the coding strand, the complement: ZFP57 is on the minus strand). VCF-style: chr6-29672507-T-C. GRCh37 (hg19) VCF-style: chr6-29640284-T-C.
Other names: c.1388A>G, p.His463Arg (NM_001366333.2); c.1604A>G (NM_001109809.2); short protein forms H463R, H535R.
Identifiers: ClinVar variation 1050206 (VCV001050206.2), dbSNP rs79455213, ClinGen allele CA3690651.

ClinVar aggregate classification (germline): Uncertain significance. Review status: criteria provided, single submitter (1 of 4 stars). 2 submissions from 2 submitters: Uncertain significance (1). 1 of the submissions does not count toward it. Last evaluated 2025-08-02.

Conditions:
Inborn genetic diseases. Identifiers: MedGen C0950123, MeSH D030342.

Allele frequency attached by ClinVar (database versions not stated): gnomAD exomes 0.00005 and 0.00008; ExAC 0.00011; gnomAD 0.00034 and 0.00035; 1000 Genomes Project 0.00040; TOPMed 0.00042; 1000 Genomes Project 30x 0.00047; ESP Exome Variant Server 0.00066.
gnomAD v4.1: 121 of 1,612,964 alleles (0.0075%); highest among the groups gnomAD compares: African/African-American, 0.14%; no homozygotes.

Submissions (2):

Ambry Genetics
Classification: Uncertain significance for Inborn genetic diseases. Last evaluated: 2025-08-02. Review status: criteria provided, single submitter. Criteria: Ambry Variant Classification Scheme 2023. Collection method: clinical testing. Allele origin: germline.

Department of Pathology and Laboratory Medicine, Sinai Health System
Classification: Uncertain significance. Review status: no assertion criteria provided. Collection method: clinical testing. Allele origin: unknown. Affected: yes. Study: The Canadian Open Genetics Repository (COGR). Not counted in ClinVar's aggregate classification.
Comment: The ZFP57 p.His535Arg variant was not identified in the literature nor was it identified in ClinVar, Cosmic or LOVD 3.0. The variant was identified in dbSNP (ID: rs79455213) and was also found in control databases in 31 of 276036 chromosomes at a frequency of 0.000112 (Genome Aggregation Database Feb 27, 2017). The variant was observed in the following populations: African in 26 of 23036 chromosomes (freq: 0.001129), Other in 2 of 7088 chromosomes (freq: 0.000282), Latino in 2 of 35264 chromosomes (freq: 0.000057) and European (non-Finnish) in 1 of 125610 chromosomes (freq: 0.000008), while the variant was not observed in the Ashkenazi Jewish, East Asian, European (Finnish) and South Asian populations. The variant occurs outside of the splicing consensus sequence and 3 of 4 in silico or computational prediction software programs (SpliceSiteFinder, MaxEntScan, NNSPLICE) predict a greater than 10% difference in splicing with a gain of a 5' splice site at c.1603, near the site of variation. However, this information is not predictive enough to assume pathogenicity. The p.His535 residue is not conserved in mammals and computational analyses (PolyPhen-2, SIFT, AlignGVGD, BLOSUM, MutationTaster) do not suggest a high likelihood of impact to the protein; however, this information is not predictive enough to rule out pathogenicity. In summary, based on the above information the clinical significance of this variant cannot be determined with certainty at this time. This variant is classified as a variant of uncertain significance.